The following is an entry in ClinVar:

ClinVar aggregate classification (germline): Uncertain significance. Review status: criteria provided, multiple submitters, no conflicts (2 of 4 stars). 7 submissions from 7 submitters: Uncertain significance (6). 1 of the submissions does not count toward it. Last evaluated 2023-12-07.

Conditions:
Nemaline myopathy 2 (NEM2). Also called: Nemaline myopathy 2, autosomal recessive. Identifiers: MedGen C1850569, MONDO:0009725, OMIM 256030.
Arthrogryposis multiplex congenita 6. Identifiers: MedGen C5543431, MONDO:0030281, OMIM 619334.

Allele frequency attached by ClinVar (database versions not stated): 1000 Genomes Project 0.00020; gnomAD 0.00022; 1000 Genomes Project 30x 0.00031; TOPMed 0.00033.
gnomAD v4.1: 795 of 1,613,734 alleles (0.049%); highest among the groups gnomAD compares: Non-Finnish European, 0.063%; 1 homozygote.

Submissions (7):

Mayo Clinic Laboratories, Mayo Clinic
Classification: Uncertain significance. Last evaluated: 2023-12-07. Review status: criteria provided, single submitter. Criteria: ACMG Guidelines, 2015. Collection method: clinical testing. Allele origin: germline. Observed: 1 variant allele.
Comment: BP4

Labcorp Genetics (formerly Invitae), Labcorp
Classification: Uncertain significance for Nemaline myopathy 2. Last evaluated: 2022-11-01. Review status: criteria provided, single submitter. Criteria: Invitae Variant Classification Sherloc (09022015). Collection method: clinical testing. Allele origin: germline.
Comment: This sequence change replaces histidine, which is basic and polar, with asparagine, which is neutral and polar, at codon 3047 of the NEB protein (p.His3047Asn). This variant is present in population databases (rs147168910, gnomAD 0.1%), and has an allele count higher than expected for a pathogenic variant. This variant has not been reported in the literature in individuals affected with NEB-related conditions. ClinVar contains an entry for this variant (Variation ID: 386988). Algorithms developed to predict the effect of missense changes on protein structure and function are either unavailable or do not agree on the potential impact of this missense change (SIFT: "Deleterious"; PolyPhen-2: "Not Available"; Align-GVGD: "Class C0"). In summary, the available evidence is currently insufficient to determine the role of this variant in disease. Therefore, it has been classified as a Variant of Uncertain Significance.

Fulgent Genetics
Classification: Uncertain significance for Nemaline myopathy 2; Arthrogryposis multiplex congenita 6. Last evaluated: 2021-08-25. Review status: criteria provided, single submitter. Criteria: ACMG Guidelines, 2015. Collection method: clinical testing. Allele origin: unknown.

GeneDx
Classification: Uncertain significance. Last evaluated: 2021-06-01. Review status: criteria provided, single submitter. Criteria: GeneDx Variant Classification Process June 2021. Collection method: clinical testing. Allele origin: germline. Affected: yes.
Comment: In silico analysis supports that this missense variant has a deleterious effect on protein structure/function; This variant is associated with the following publications: (PMID: 26582918, 27535533)

Baylor Genetics
Classification: Uncertain significance for Nemaline myopathy 2. Last evaluated: 2018-02-11. Review status: criteria provided, single submitter. Criteria: ACMG Guidelines, 2015. Collection method: clinical testing. Allele origin: maternal. Affected: yes.
Comment: This variant was determined to be of uncertain significance according to ACMG Guidelines, 2015 [PMID:25741868].

CeGaT Center for Human Genetics Tuebingen
Classification: Uncertain significance. Last evaluated: 2017-05-01. Review status: criteria provided, single submitter. Criteria: CeGaT Center For Human Genetics Tuebingen Variant Classification Criteria Version 2. Collection method: clinical testing. Allele origin: germline. Affected: yes. Observed: 1 variant allele.

Natera, Inc.
Classification: Uncertain significance for Nemaline myopathy type 2. Last evaluated: 2020-02-14. Review status: no assertion criteria provided. Collection method: clinical testing. Allele origin: germline. Not counted in ClinVar's aggregate classification.

Literature cited by the submitters: PubMed 34950897 (cited by Mayo Clinic Laboratories, Mayo Clinic).

NM_001164508.2(NEB):c.9139C>A (p.His3047Asn)

Gene: NEB (nebulin; minus strand). Cytogenetic location: 2q23.3.
Variant type: single nucleotide variant.
Coding change: c.9139C>A on transcript NM_001164508.2 (MANE Select); coding-DNA position 9139, C replaced by A.
Protein change: p.His3047Asn; replaces histidine 3047 with asparagine.
Molecular consequence: missense variant. On other transcripts: intron variant (1).
Genome position (GRCh38, 1-based): chr2:151,633,929, G>T on the plus strand (C>A on the coding strand, the complement: NEB is on the minus strand). VCF-style: chr2-151633929-G-T. GRCh37 (hg19) VCF-style: chr2-152490443-G-T.
Other names: p.His3047Asn; c.9139C>A, p.His3047Asn (NM_001164507.2, NM_001271208.2); c.8854-2751C>A (NM_004543.5); short protein forms H3047N.
Identifiers: ClinVar variation 386988 (VCV000386988.52), dbSNP rs147168910, ClinGen allele CA1909392.